The following is an entry in ClinVar:

ClinVar aggregate classification (germline): Uncertain significance. Review status: criteria provided, multiple submitters, no conflicts (2 of 4 stars). 2 submissions from 2 submitters: Uncertain significance (2). Last evaluated 2022-08-20.

Conditions:
LAMA2-related muscular dystrophy (LAMA2-RD). Also called: Laminin alpha 2-related dystrophy. Identifiers: MedGen C5679788, MONDO:0100228.

Allele frequency attached by ClinVar (database versions not stated): TOPMed 0.00005.
gnomAD v4.1: 17 of 1,613,364 alleles (0.0011%); highest among the groups gnomAD compares: Middle Eastern, 0.016%; no homozygotes.

Submissions (2):

Labcorp Genetics (formerly Invitae), Labcorp
Classification: Uncertain significance for LAMA2-related muscular dystrophy. Last evaluated: 2022-08-20. Review status: criteria provided, single submitter. Criteria: Invitae Variant Classification Sherloc (09022015). Collection method: clinical testing. Allele origin: germline.
Comment: This sequence change replaces alanine, which is neutral and non-polar, with threonine, which is neutral and polar, at codon 1914 of the LAMA2 protein (p.Ala1914Thr). This variant is present in population databases (rs765600723, gnomAD 0.004%). This variant has not been reported in the literature in individuals affected with LAMA2-related conditions. ClinVar contains an entry for this variant (Variation ID: 1498699). Advanced modeling of protein sequence and biophysical properties (such as structural, functional, and spatial information, amino acid conservation, physicochemical variation, residue mobility, and thermodynamic stability) performed at Invitae indicates that this missense variant is not expected to disrupt LAMA2 protein function. In summary, the available evidence is currently insufficient to determine the role of this variant in disease. Therefore, it has been classified as a Variant of Uncertain Significance.

Revvity Omics, Revvity
Classification: Uncertain significance. Last evaluated: 2019-12-09. Review status: criteria provided, single submitter. Criteria: ACMG Guidelines, 2015. Collection method: clinical testing. Allele origin: germline.

NM_000426.4(LAMA2):c.5740G>A (p.Ala1914Thr)

Gene: LAMA2 (laminin subunit alpha 2; plus strand). Cytogenetic location: 6q22.33.
Variant type: single nucleotide variant.
Coding change: c.5740G>A on transcript NM_000426.4 (MANE Select); coding-DNA position 5740, G replaced by A.
Protein change: p.Ala1914Thr; replaces alanine 1914 with threonine.
Molecular consequence: missense variant.
Genome position (GRCh38, 1-based): chr6:129,403,834, G>A. VCF-style: chr6-129403834-G-A. GRCh37 (hg19) VCF-style: chr6-129724979-G-A.
Other names: c.5740G>A (NM_000426.3); c.5740G>A, p.Ala1914Thr (NM_001079823.2); short protein forms A1914T.
Identifiers: ClinVar variation 1498699 (VCV001498699.8), dbSNP rs765600723, ClinGen allele CA3993982.